The following is an entry in ClinVar:

ClinVar aggregate classification (germline): Uncertain significance (1 of 4 stars; one submission).

Submission:

Labcorp Genetics (formerly Invitae), Labcorp
Classification: Uncertain significance. Last evaluated: 2024-05-14. Review status: criteria provided, single submitter. Criteria: Invitae Variant Classification Sherloc (09022015). Collection method: clinical testing. Allele origin: germline.
Comment: This sequence change replaces lysine, which is basic and polar, with arginine, which is basic and polar, at codon 890 of the PACS2 protein (p.Lys890Arg). This variant is not present in population databases (gnomAD no frequency). This variant has not been reported in the literature in individuals affected with PACS2-related conditions. Advanced modeling of protein sequence and biophysical properties (such as structural, functional, and spatial information, amino acid conservation, physicochemical variation, residue mobility, and thermodynamic stability) performed at Invitae indicates that this missense variant is not expected to disrupt PACS2 protein function with a negative predictive value of 80%. In summary, the available evidence is currently insufficient to determine the role of this variant in disease. Therefore, it has been classified as a Variant of Uncertain Significance.

NM_001100913.3(PACS2):c.2669A>G (p.Lys890Arg)

Gene: PACS2 (phosphofurin acidic cluster sorting protein 2; plus strand). Cytogenetic location: 14q32.33.
Variant type: single nucleotide variant.
Coding change: c.2669A>G on transcript NM_001100913.3 (MANE Select); coding-DNA position 2669, A replaced by G.
Protein change: p.Lys890Arg; replaces lysine 890 with arginine.
Molecular consequence: missense variant.
Genome position (GRCh38, 1-based): chr14:105,394,626, A>G. VCF-style: chr14-105394626-A-G. GRCh37 (hg19) VCF-style: chr14-105860963-A-G.
Other names: c.2399A>G, p.Lys800Arg (NM_001243127.3); c.2624A>G, p.Lys875Arg (NM_015197.4); short protein forms K800R, K875R, K890R.
Identifiers: ClinVar variation 3653327 (VCV003653327.2).